The following is an entry in ClinVar:

ClinVar aggregate classification (germline): Uncertain significance. Review status: criteria provided, multiple submitters, no conflicts (2 of 4 stars). 2 submissions from 2 submitters: Uncertain significance (2). Last evaluated 2026-07-13.

Conditions:
Baller-Gerold syndrome (BGS). Also called: CRANIOSYNOSTOSIS WITH RADIAL DEFECTS. Identifiers: Orphanet 1225, MedGen C0265308, MONDO:0009039, OMIM 218600.
Inborn genetic diseases. Identifiers: MedGen C0950123, MeSH D030342.

Allele frequency attached by ClinVar (database versions not stated): TOPMed below 0.00001; gnomAD 0.00001.
gnomAD v4.1: 1 of 1,610,994 alleles (0.000062%); highest among the groups gnomAD compares: Non-Finnish European, 0.000085%; no homozygotes.

Submissions (2):

Ambry Genetics
Classification: Uncertain significance for Inborn genetic diseases. Last evaluated: 2026-07-13. Review status: criteria provided, single submitter. Criteria: Ambry Variant Classification Scheme 2023. Collection method: clinical testing. Allele origin: germline.
Comment: The p.P1125H variant (also known as c.3374C>A), located in coding exon 19 of the RECQL4 gene, results from a C to A substitution at nucleotide position 3374. The proline at codon 1125 is replaced by histidine, an amino acid with similar properties. This amino acid position is conserved. In addition, this alteration is predicted to be tolerated by in silico analysis. Based on the available evidence, the clinical significance of this variant remains unclear.

Labcorp Genetics (formerly Invitae), Labcorp
Classification: Uncertain significance for Baller-Gerold syndrome. Last evaluated: 2023-05-09. Review status: criteria provided, single submitter. Criteria: Invitae Variant Classification Sherloc (09022015). Collection method: clinical testing. Allele origin: germline.
Comment: This sequence change replaces proline, which is neutral and non-polar, with histidine, which is basic and polar, at codon 1125 of the RECQL4 protein (p.Pro1125His). This variant is not present in population databases (gnomAD no frequency). This variant has not been reported in the literature in individuals affected with RECQL4-related conditions. Advanced modeling of protein sequence and biophysical properties (such as structural, functional, and spatial information, amino acid conservation, physicochemical variation, residue mobility, and thermodynamic stability) performed at Invitae indicates that this missense variant is not expected to disrupt RECQL4 protein function. In summary, the available evidence is currently insufficient to determine the role of this variant in disease. Therefore, it has been classified as a Variant of Uncertain Significance.

NM_004260.4(RECQL4):c.3374C>A (p.Pro1125His)

Gene: RECQL4 (RecQ like helicase 4; minus strand). Cytogenetic location: 8q24.3.
Variant type: single nucleotide variant.
Coding change: c.3374C>A on transcript NM_004260.4 (MANE Select); coding-DNA position 3374, C replaced by A.
Protein change: p.Pro1125His; replaces proline 1125 with histidine.
Molecular consequence: missense variant. On other transcripts: non-coding transcript variant (3).
Genome position (GRCh38, 1-based): chr8:144,511,930, G>T on the plus strand (C>A on the coding strand, the complement: RECQL4 is on the minus strand). VCF-style: chr8-144511930-G-T. GRCh37 (hg19) VCF-style: chr8-145737313-G-T.
Other names: c.3374C>A (NM_004260.3); c.3242C>A, p.Pro1081His (NM_001413033.1); c.2303C>A, p.Pro768His (NM_001413034.1, NM_001413035.1, NM_001413040.1 and 4 more transcripts); c.3374C>A, p.Pro1125His (NM_001413036.1); c.2171C>A, p.Pro724His (NM_001413037.1); c.2105C>A, p.Pro702His (NM_001413038.1, NM_001413031.1); c.3344C>A, p.Pro1115His (NM_001413039.1); c.2312C>A, p.Pro771His (NM_001413041.1); and 10 more; short protein forms P1027H, P1081H, P1150H, P771H, P1093H, P1125H, P724H, P746H.
Identifiers: ClinVar variation 2912192 (VCV002912192.4), dbSNP rs1333082439, ClinGen allele CA372668092.
Genomic context (GRCh38, chr8:144,511,930, plus strand): 5'-ACCTGCAACCCCGATGAGCTGCCTGGCCTTACTGCACTCACTCTGGCCTGCCCTGGCTCG[G>T]GGCCCTGTGCGTCCTCCATGCCTCCCGGCTCCTGCCCTTCCTCTTCCTCAAAGTAGCGGC-3'
Protein context (NP_004251.4, residues 1115-1135): EPGGMEDAQG[Pro1125His]EPGQARLQDW